The following is an entry in ClinVar:

ClinVar aggregate classification (germline): Uncertain significance (1 of 4 stars; one submission).

gnomAD v4.1: 4 of 1,613,978 alleles (0.00025%); highest among the groups gnomAD compares: South Asian, 0.0011%; no homozygotes.

Submission:

GeneDx
Classification: Uncertain significance. Last evaluated: 2023-07-26. Review status: criteria provided, single submitter. Criteria: GeneDx Variant Classification Process June 2021. Collection method: clinical testing. Allele origin: germline. Affected: yes.
Comment: Not observed at significant frequency in large population cohorts (gnomAD); In silico analysis supports that this missense variant has a deleterious effect on protein structure/function; Has not been previously published as pathogenic or benign to our knowledge

NM_206933.4(USH2A):c.4748T>C (p.Phe1583Ser)

Gene: USH2A (usherin; minus strand). Cytogenetic location: 1q41.
Variant type: single nucleotide variant.
Coding change: c.4748T>C on transcript NM_206933.4 (MANE Select); coding-DNA position 4748, T replaced by C.
Protein change: p.Phe1583Ser; replaces phenylalanine 1583 with serine.
Molecular consequence: missense variant.
Genome position (GRCh38, 1-based): chr1:216,097,093, A>G on the plus strand (T>C on the coding strand, the complement: USH2A is on the minus strand). VCF-style: chr1-216097093-A-G. GRCh37 (hg19) VCF-style: chr1-216270435-A-G.
Other names: short protein forms F1583S.
Identifiers: ClinVar variation 3361687 (VCV003361687.1).